The following is an entry in ClinVar:

ClinVar aggregate classification (germline): Uncertain significance (1 of 4 stars; one submission).

Allele frequency attached by ClinVar (database versions not stated): gnomAD exomes below 0.00001.
gnomAD v4.1: 1 of 1,614,078 alleles (0.000062%); highest among the groups gnomAD compares: Non-Finnish European, 0.000085%; no homozygotes.

Submission:

Labcorp Genetics (formerly Invitae), Labcorp
Classification: Uncertain significance. Last evaluated: 2022-07-25. Review status: criteria provided, single submitter. Criteria: Invitae Variant Classification Sherloc (09022015). Collection method: clinical testing. Allele origin: germline.
Comment: In summary, the available evidence is currently insufficient to determine the role of this variant in disease. Therefore, it has been classified as a Variant of Uncertain Significance. Algorithms developed to predict the effect of missense changes on protein structure and function (SIFT, PolyPhen-2, Align-GVGD) all suggest that this variant is likely to be tolerated. This variant has not been reported in the literature in individuals affected with EXTL3-related conditions. This variant is not present in population databases (gnomAD no frequency). This sequence change replaces lysine, which is basic and polar, with glutamine, which is neutral and polar, at codon 172 of the EXTL3 protein (p.Lys172Gln).

NM_001440.4(EXTL3):c.514A>C (p.Lys172Gln)

Gene: EXTL3 (exostosin like glycosyltransferase 3; plus strand). Cytogenetic location: 8p21.1.
Variant type: single nucleotide variant.
Coding change: c.514A>C on transcript NM_001440.4 (MANE Select); coding-DNA position 514, A replaced by C.
Protein change: p.Lys172Gln; replaces lysine 172 with glutamine.
Molecular consequence: missense variant.
Genome position (GRCh38, 1-based): chr8:28,716,573, A>C. VCF-style: chr8-28716573-A-C. GRCh37 (hg19) VCF-style: chr8-28574090-A-C.
Other names: short protein forms K172Q.
Identifiers: ClinVar variation 2101924 (VCV002101924.4), dbSNP rs2486620621, ClinGen allele CA370856474.